The following is an entry in ClinVar:

NM_000257.4(MYH7):c.3068C>T (p.Ala1023Val)

Gene: MYH7 (myosin heavy chain 7; minus strand). Cytogenetic location: 14q11.2.
Variant type: single nucleotide variant.
Coding change: c.3068C>T on transcript NM_000257.4 (MANE Select); coding-DNA position 3068, C replaced by T.
Protein change: p.Ala1023Val; replaces alanine 1023 with valine.
Molecular consequence: missense variant.
Genome position (GRCh38, 1-based): chr14:23,423,578, G>A on the plus strand (C>T on the coding strand, the complement: MYH7 is on the minus strand). VCF-style: chr14-23423578-G-A. GRCh37 (hg19) VCF-style: chr14-23892787-G-A.
Other names: short protein forms A1023V.
Identifiers: ClinVar variation 629778 (VCV000629778.7), dbSNP rs767004235, ClinGen allele CA035427.

ClinVar aggregate classification (germline): Uncertain significance. Review status: criteria provided, multiple submitters, no conflicts (2 of 4 stars). 2 submissions from 2 submitters: Uncertain significance (2). Last evaluated 2023-12-05.

Conditions:
Cardiomyopathy (CMYO). Also called: Cardiomyopathies. Identifiers: Orphanet 167848, MedGen C0878544, MONDO:0004994, HP:0001638. Inheritance: Various modes of inheritance.
Hypertrophic cardiomyopathy. Also called: HYPERTROPHIC MYOCARDIOPATHY. Identifiers: Orphanet 217569, MedGen C0007194, MeSH D002312, MONDO:0005045, HP:0001639.

Allele frequency attached by ClinVar (database versions not stated): gnomAD exomes below 0.00001; ExAC 0.00001; gnomAD 0.00001.
gnomAD v4.1: 3 of 1,613,810 alleles (0.00019%); highest among the groups gnomAD compares: South Asian, 0.0022%; no homozygotes.

Submissions (2):

Color Diagnostics, LLC DBA Color Health
Classification: Uncertain significance for Cardiomyopathy. Last evaluated: 2023-12-05. Review status: criteria provided, single submitter. Criteria: ACMG Guidelines, 2015. Collection method: clinical testing. Allele origin: germline.
Comment: Variant of Uncertain Significance due to insufficient evidence: This missense variant is located in the neck and hinge (S2) domain of the MYH7 protein. Computational prediction tools and conservation analyses suggest that this variant may have deleterious impact on the protein function. Computational splicing tools suggest that this variant may not impact RNA splicing. To our knowledge, functional assays have not been performed for this variant nor has this variant been reported in individuals affected with cardiovascular disorders in the literature. This variant has been identified in 1/246264 chromosomes in the general population by the Genome Aggregation Database (gnomAD). Available evidence is insufficient to determine the pathogenicity of this variant conclusively.

Labcorp Genetics (formerly Invitae), Labcorp
Classification: Uncertain significance for Hypertrophic cardiomyopathy. Last evaluated: 2023-05-13. Review status: criteria provided, single submitter. Criteria: Invitae Variant Classification Sherloc (09022015). Collection method: clinical testing. Allele origin: germline.
Comment: In summary, the available evidence is currently insufficient to determine the role of this variant in disease. Therefore, it has been classified as a Variant of Uncertain Significance. Advanced modeling of protein sequence and biophysical properties (such as structural, functional, and spatial information, amino acid conservation, physicochemical variation, residue mobility, and thermodynamic stability) performed at Invitae indicates that this missense variant is expected to disrupt MYH7 protein function. ClinVar contains an entry for this variant (Variation ID: 629778). This variant has not been reported in the literature in individuals affected with MYH7-related conditions. This variant is present in population databases (rs767004235, gnomAD 0.003%). This sequence change replaces alanine, which is neutral and non-polar, with valine, which is neutral and non-polar, at codon 1023 of the MYH7 protein (p.Ala1023Val).